The following is an entry in ClinVar:

ClinVar aggregate classification (germline): Uncertain significance (1 of 4 stars; one submission).

Conditions:
Early-infantile DEE. Also called: Early infantile epileptic encephalopathy; Early infantile epileptic encephalopathy with suppression bursts; Ohtahara syndrome. Identifiers: Orphanet 1934, MedGen C0393706, MONDO:0800491.

gnomAD v4.1: 48 of 1,613,424 alleles (0.003%); highest among the groups gnomAD compares: Non-Finnish European, 0.0036%; no homozygotes.

Submission:

Labcorp Genetics (formerly Invitae), Labcorp
Classification: Uncertain significance for Early-infantile DEE. Last evaluated: 2025-10-24. Review status: criteria provided, single submitter. Criteria: Invitae Variant Classification Sherloc (09022015). Collection method: clinical testing. Allele origin: germline.
Comment: This sequence change replaces threonine, which is neutral and polar, with asparagine, which is neutral and polar, at codon 246 of the ARHGEF15 protein (p.Thr246Asn). This variant is present in population databases (no rsID available, gnomAD 0.002%). This variant has not been reported in the literature in individuals affected with ARHGEF15-related conditions. ClinVar contains an entry for this variant (Variation ID: 2735546). An algorithm developed to predict the effect of missense changes on protein structure and function (PolyPhen-2) suggests that this variant is likely to be tolerated. In summary, the available evidence is currently insufficient to determine the role of this variant in disease. Therefore, it has been classified as a Variant of Uncertain Significance.

NM_173728.4(ARHGEF15):c.737C>A (p.Thr246Asn)

Gene: ARHGEF15 (Rho guanine nucleotide exchange factor 15; plus strand). Cytogenetic location: 17p13.1.
Variant type: single nucleotide variant.
Coding change: c.737C>A on transcript NM_173728.4 (MANE Select); coding-DNA position 737, C replaced by A.
Protein change: p.Thr246Asn; replaces threonine 246 with asparagine.
Molecular consequence: missense variant.
Genome position (GRCh38, 1-based): chr17:8,313,057, C>A. VCF-style: chr17-8313057-C-A. GRCh37 (hg19) VCF-style: chr17-8216375-C-A.
Other names: c.737C>A, p.Thr246Asn (NM_025014.2); short protein forms T246N.
Identifiers: ClinVar variation 2735546 (VCV002735546.3), dbSNP rs760027686, ClinGen allele CA398015954.